The following is an entry in ClinVar:

ClinVar aggregate classification (germline): Uncertain significance. Review status: criteria provided, multiple submitters, no conflicts (2 of 4 stars). 5 submissions from 5 submitters: Uncertain significance (5). Last evaluated 2026-02-12.

Conditions:
Inborn genetic diseases. Identifiers: MedGen C0950123, MeSH D030342.
Autosomal recessive nonsyndromic hearing loss 30. Identifiers: Orphanet 90636, MedGen C1846784, MONDO:0011774, OMIM 607101.

Allele frequency attached by ClinVar (database versions not stated): ExAC 0.00003; gnomAD exomes 0.00002 and 0.00003; TOPMed 0.00015; gnomAD 0.00017 and 0.00015; ESP Exome Variant Server 0.00015.
gnomAD v4.1: 53 of 1,613,972 alleles (0.0033%); highest among the groups gnomAD compares: African/African-American, 0.04%; no homozygotes.

Submissions (5):

GeneDx
Classification: Uncertain significance. Last evaluated: 2026-02-12. Review status: criteria provided, single submitter. Criteria: GeneDx Variant Classification Process June 2021. Collection method: clinical testing. Allele origin: germline.
Comment: In silico analysis supports that this missense variant has a deleterious effect on protein structure/function; Has not been previously published as pathogenic or benign to our knowledge

Labcorp Genetics (formerly Invitae), Labcorp
Classification: Uncertain significance. Last evaluated: 2025-11-04. Review status: criteria provided, single submitter. Criteria: Invitae Variant Classification Sherloc (09022015). Collection method: clinical testing. Allele origin: germline.
Comment: This sequence change replaces threonine, which is neutral and polar, with methionine, which is neutral and non-polar, at codon 219 of the MYO3A protein (p.Thr219Met). This variant is present in population databases (rs377660409, gnomAD 0.05%). This variant has not been reported in the literature in individuals affected with MYO3A-related conditions. ClinVar contains an entry for this variant (Variation ID: 45821). An algorithm developed to predict the effect of missense changes on protein structure and function (PolyPhen-2) suggests that this variant is likely to be disruptive. In summary, the available evidence is currently insufficient to determine the role of this variant in disease. Therefore, it has been classified as a Variant of Uncertain Significance.

Ambry Genetics
Classification: Uncertain significance for Inborn genetic diseases. Last evaluated: 2025-10-15. Review status: criteria provided, single submitter. Criteria: Ambry Variant Classification Scheme 2023. Collection method: clinical testing. Allele origin: germline.

Fulgent Genetics
Classification: Uncertain significance for Autosomal recessive nonsyndromic hearing loss 30. Last evaluated: 2018-10-31. Review status: criteria provided, single submitter. Criteria: ACMG Guidelines, 2015. Collection method: clinical testing. Allele origin: unknown.

Laboratory for Molecular Medicine, Mass General Brigham Personalized Medicine
Classification: Uncertain significance. Last evaluated: 2012-12-11. Review status: criteria provided, single submitter. Criteria: LMM Criteria. Collection method: clinical testing. Allele origin: germline. Observed: 1 variant allele.
Comment: The Thr219Met variant in MYO3A has not been reported in the literature nor previ ously identified by our laboratory. Computational analyses (biochemical amino ac id properties, conservation, AlignGVGD, PolyPhen2, and SIFT) suggest that the Th r219Met variant may impact the protein, though this information is not predictiv e enough to determine pathogenicity. This variant has been identified in 0.04% (2/4406) of African American chromosomes in a broad population by the NHLBI Exom e sequencing project. Although this variant has been seen in the general population, its frequency is not high enough to rul e out a pathogenic role. In summary, additional data is needed to determine the clinical significance of this variant.

NM_017433.5(MYO3A):c.656C>T (p.Thr219Met)

Gene: MYO3A (myosin IIIA; plus strand). Cytogenetic location: 10p12.1.
Variant type: single nucleotide variant.
Coding change: c.656C>T on transcript NM_017433.5 (MANE Select); coding-DNA position 656, C replaced by T.
Protein change: p.Thr219Met; replaces threonine 219 with methionine.
Molecular consequence: missense variant.
Genome position (GRCh38, 1-based): chr10:26,021,573, C>T. VCF-style: chr10-26021573-C-T. GRCh37 (hg19) VCF-style: chr10-26310502-C-T.
Other names: c.656C>T, p.Thr219Met (NM_001368265.1); short protein forms T219M.
Identifiers: ClinVar variation 45821 (VCV000045821.15), dbSNP rs377660409, ClinGen allele CA137103.